The following is an entry in ClinVar:

ClinVar aggregate classification (germline): Conflicting classifications of pathogenicity. Review status: criteria provided, conflicting classifications (1 of 4 stars). 2 submissions from 2 submitters: Uncertain significance (1); Likely benign (1). Last evaluated 2024-02-21.

Conditions:
Inborn genetic diseases. Identifiers: MedGen C0950123, MeSH D030342.
Childhood apraxia of speech (SPCH1). Also called: DEVELOPMENTAL VERBAL DYSPRAXIA; SPEECH AND LANGUAGE DISORDER WITH OROFACIAL DYSPRAXIA; FOXP2-Related Speech and Language Disorder; Speech language disorder. Identifiers: Orphanet 209908, MedGen C0750927, MONDO:0011184, OMIM 602081.

Allele frequency attached by ClinVar (database versions not stated): ExAC 0.00001; gnomAD exomes 0.00001; TOPMed 0.00001; gnomAD 0.00002.
gnomAD v4.1: 16 of 1,611,516 alleles (0.00099%); highest among the groups gnomAD compares: Admixed American, 0.0033%; no homozygotes.

Submissions (2):

Pittsburgh Clinical Genomics Laboratory, University of Pittsburgh Medical Center
Classification: Uncertain significance for Childhood apraxia of speech. Last evaluated: 2024-02-21. Review status: criteria provided, single submitter. Criteria: ACMG Guidelines, 2015. Collection method: clinical testing. Allele origin: germline. Inheritance: Autosomal dominant inheritance. Affected: yes.
Comment: This sequence variant is a single nucleotide substitution (T>C) at position 106 of the coding sequence of the FOXP2 gene that results in a serine to proline amino acid change at residue 36 of the forkhead box P2 protein. This variant is absent from ClinVar and is present in 7 of 401180 alleles (0.0017%) in the gnomAD population dataset. To our knowledge, this variant has not been observed in an individual affected by a FOXP2-related disorder in the published literature. Multiple bioinformatic tools predict that this amino acid change would be damaging, and the Ser36 residue at this position is highly conserved across the vertebrate species examined. Studies examining the functional consequence of this variant have not been published, to our knowledge. At this time, there is insufficient evidence to determine if this variant is pathogenic or benign. Therefore, we consider this a variant of uncertain significance. ACMG Criteria: PM2, PP3

Ambry Genetics
Classification: Likely benign for Inborn genetic diseases. Last evaluated: 2023-12-19. Review status: criteria provided, single submitter. Criteria: Ambry Variant Classification Scheme 2023. Collection method: clinical testing. Allele origin: germline.

NM_014491.4(FOXP2):c.106T>C (p.Ser36Pro)

Gene: FOXP2 (forkhead box P2; plus strand). Cytogenetic location: 7q31.1.
Variant type: single nucleotide variant.
Coding change: c.106T>C on transcript NM_014491.4 (MANE Select); coding-DNA position 106, T replaced by C.
Protein change: p.Ser36Pro; replaces serine 36 with proline.
Molecular consequence: missense variant. On other transcripts: non-coding transcript variant (2).
Genome position (GRCh38, 1-based): chr7:114,426,617, T>C. VCF-style: chr7-114426617-T-C. GRCh37 (hg19) VCF-style: chr7-114066672-T-C.
Other names: c.106T>C, p.Ser36Pro (NM_001172766.3, NM_001172767.2, NM_148898.4 and 2 more transcripts); c.-1428T>C (NM_001172777.1); short protein forms S36P.
Identifiers: ClinVar variation 3096562 (VCV003096562.2), dbSNP rs750701057, ClinGen allele CA4445657.